The following is an entry in ClinVar:

NM_006904.7(PRKDC):c.2346A>C (p.Arg782Ser)

Gene: PRKDC (protein kinase, DNA-activated, catalytic subunit; minus strand). Cytogenetic location: 8q11.21.
Variant type: single nucleotide variant.
Coding change: c.2346A>C on transcript NM_006904.7 (MANE Select); coding-DNA position 2346, A replaced by C.
Protein change: p.Arg782Ser; replaces arginine 782 with serine.
Molecular consequence: missense variant.
Genome position (GRCh38, 1-based): chr8:47,927,267, T>G on the plus strand (A>C on the coding strand, the complement: PRKDC is on the minus strand). VCF-style: chr8-47927267-T-G. GRCh37 (hg19) VCF-style: chr8-48839827-T-G.
Other names: c.2346A>C, p.Arg782Ser (NM_001081640.2); short protein forms R782S.
Identifiers: ClinVar variation 3310171 (VCV003310171.1).

ClinVar aggregate classification (germline): Uncertain significance (1 of 4 stars; one submission).

Submission:

Ambry Genetics
Classification: Uncertain significance. Last evaluated: 2024-06-04. Review status: criteria provided, single submitter. Criteria: Ambry Variant Classification Scheme 2023. Collection method: clinical testing. Allele origin: germline.
Comment: The p.R782S variant (also known as c.2346A>C), located in coding exon 21 of the PRKDC gene, results from an A to C substitution at nucleotide position 2346. The arginine at codon 782 is replaced by serine, an amino acid with dissimilar properties. This amino acid position is conserved. In addition, this alteration is predicted to be tolerated by in silico analysis. Based on the available evidence, the clinical significance of this variant remains unclear.